The following is an entry in ClinVar:

NM_174878.3(CLRN1):c.117C>T (p.Leu39=)

Gene: CLRN1 (clarin 1; minus strand). Cytogenetic location: 3q25.1.
Variant type: single nucleotide variant.
Coding change: c.117C>T on transcript NM_174878.3 (MANE Select); coding-DNA position 117, C replaced by T.
Protein change: p.Leu39=; no amino-acid change (leucine 39 retained).
Molecular consequence: synonymous variant. On other transcripts: non-coding transcript variant (1).
Genome position (GRCh38, 1-based): chr3:150,972,592, G>A on the plus strand (C>T on the coding strand, the complement: CLRN1 is on the minus strand). VCF-style: chr3-150972592-G-A. GRCh37 (hg19) VCF-style: chr3-150690379-G-A.
Other names: c.117C>T, p.Leu39= (NM_001195794.1, NM_001256819.2).
Identifiers: ClinVar variation 1154387 (VCV001154387.11), dbSNP rs748584811, ClinGen allele CA2666215.

ClinVar aggregate classification (germline): Likely benign. Review status: criteria provided, single submitter (1 of 4 stars). 2 submissions from 2 submitters: Likely benign (1). 1 of the submissions does not count toward it. Last evaluated 2025-01-06.

Conditions:
CLRN1-related disorder. Also called: CLRN1-related condition.

Allele frequency attached by ClinVar (database versions not stated): TOPMed below 0.00001; ExAC 0.00001; gnomAD 0.00001; gnomAD exomes 0.00001 and 0.00002.
gnomAD v4.1: 10 of 1,614,126 alleles (0.00062%); highest among the groups gnomAD compares: Admixed American, 0.015%; no homozygotes.

Submissions (2):

Labcorp Genetics (formerly Invitae), Labcorp
Classification: Likely benign. Last evaluated: 2025-01-06. Review status: criteria provided, single submitter. Criteria: Invitae Variant Classification Sherloc (09022015). Collection method: clinical testing. Allele origin: germline.

PreventionGenetics, part of Exact Sciences
Classification: Likely benign for CLRN1-related condition. Last evaluated: 2019-07-18. Review status: no assertion criteria provided. Collection method: clinical testing. Allele origin: germline. Not counted in ClinVar's aggregate classification.
Comment: This variant is classified as likely benign based on ACMG/AMP sequence variant interpretation guidelines (Richards et al. 2015 PMID: 25741868, with internal and published modifications).